The following is an entry in ClinVar:

ClinVar aggregate classification (germline): Uncertain significance (1 of 4 stars; one submission).

Allele frequency attached by ClinVar (database versions not stated): ExAC 0.00002; gnomAD exomes 0.00002; gnomAD 0.00005; TOPMed 0.00005; 1000 Genomes Project 30x 0.00016; 1000 Genomes Project 0.00020.
gnomAD v4.1: 39 of 1,613,998 alleles (0.0024%); highest among the groups gnomAD compares: Admixed American, 0.0033%; no homozygotes.

Submission:

Labcorp Genetics (formerly Invitae), Labcorp
Classification: Uncertain significance. Last evaluated: 2022-08-08. Review status: criteria provided, single submitter. Criteria: Invitae Variant Classification Sherloc (09022015). Collection method: clinical testing. Allele origin: germline.
Comment: This sequence change replaces valine, which is neutral and non-polar, with isoleucine, which is neutral and non-polar, at codon 1125 of the CACNA1B protein (p.Val1125Ile). This variant is present in population databases (rs570718684, gnomAD 0.006%). This variant has not been reported in the literature in individuals affected with CACNA1B-related conditions. Advanced modeling of protein sequence and biophysical properties (such as structural, functional, and spatial information, amino acid conservation, physicochemical variation, residue mobility, and thermodynamic stability) performed at Invitae indicates that this missense variant is not expected to disrupt CACNA1B protein function. In summary, the available evidence is currently insufficient to determine the role of this variant in disease. Therefore, it has been classified as a Variant of Uncertain Significance.

NM_000718.4(CACNA1B):c.3373G>A (p.Val1125Ile)

Genes: CACNA1B (calcium voltage-gated channel subunit alpha1 B; plus strand), LOC101928786 (uncharacterized LOC101928786; minus strand). Cytogenetic location: 9q34.3.
Variant type: single nucleotide variant.
Coding change: c.3373G>A on transcript NM_000718.4 (MANE Select); coding-DNA position 3373, G replaced by A.
Protein change: p.Val1125Ile; replaces valine 1125 with isoleucine.
Molecular consequence: missense variant.
Genome position (GRCh38, 1-based): chr9:138,043,860, G>A. VCF-style: chr9-138043860-G-A. GRCh37 (hg19) VCF-style: chr9-140938312-G-A.
Other names: c.3373G>A, p.Val1125Ile (NM_001243812.2); short protein forms V1125I.
Identifiers: ClinVar variation 2048383 (VCV002048383.1), dbSNP rs570718684, ClinGen allele CA5376638.